The following is an entry in ClinVar:

NM_001286577.2(C2CD3):c.2428A>G (p.Met810Val)

Gene: C2CD3 (C2 domain containing 3 centriole elongation regulator; minus strand). Cytogenetic location: 11q13.4.
Variant type: single nucleotide variant.
Coding change: c.2428A>G on transcript NM_001286577.2 (MANE Select); coding-DNA position 2428, A replaced by G.
Protein change: p.Met810Val; replaces methionine 810 with valine.
Molecular consequence: missense variant.
Genome position (GRCh38, 1-based): chr11:74,103,283, T>C on the plus strand (A>G on the coding strand, the complement: C2CD3 is on the minus strand). VCF-style: chr11-74103283-T-C. GRCh37 (hg19) VCF-style: chr11-73814328-T-C.
Other names: c.2428A>G, p.Met810Val (NM_015531.6); short protein forms M810V.
Identifiers: ClinVar variation 1926926 (VCV001926926.5), dbSNP rs1053015048, ClinGen allele CA381832545.
Genomic context (GRCh38, chr11:74,103,283, plus strand): 5'-CATTGCATGGTGATTGTTTCTCAGATTCTCCACTAATAAAATCTTTCCCATCTGGCACCA[T>C]CAACAGCACATGCAACAGCAAAGCACTCTCTTTTGTTGTCCCATTTGTCTGATTGACTAA-3'
Protein context (NP_001273506.1, residues 800-820): ESALLLHVLL[Met810Val]VPDGKDFISG

ClinVar aggregate classification (germline): Uncertain significance (1 of 4 stars; one submission).

Allele frequency attached by ClinVar (database versions not stated): gnomAD exomes 0.00001.
gnomAD v4.1: 11 of 1,614,210 alleles (0.00068%); highest among the groups gnomAD compares: Middle Eastern, 0.016%; no homozygotes.

Submission:

Labcorp Genetics (formerly Invitae), Labcorp
Classification: Uncertain significance. Last evaluated: 2022-08-16. Review status: criteria provided, single submitter. Criteria: Invitae Variant Classification Sherloc (09022015). Collection method: clinical testing. Allele origin: germline.
Comment: In summary, the available evidence is currently insufficient to determine the role of this variant in disease. Therefore, it has been classified as a Variant of Uncertain Significance. Algorithms developed to predict the effect of missense changes on protein structure and function are either unavailable or do not agree on the potential impact of this missense change (SIFT: "Deleterious"; PolyPhen-2: "Probably Damaging"; Align-GVGD: "Class C0"). This variant has not been reported in the literature in individuals affected with C2CD3-related conditions. This variant is present in population databases (no rsID available, gnomAD 0.004%). This sequence change replaces methionine, which is neutral and non-polar, with valine, which is neutral and non-polar, at codon 810 of the C2CD3 protein (p.Met810Val).